The following is an entry in ClinVar:

NM_000238.4(KCNH2):c.2773G>A (p.Gly925Arg)

Gene: KCNH2 (potassium voltage-gated channel subfamily H member 2; minus strand). Cytogenetic location: 7q36.1.
Variant type: single nucleotide variant.
Coding change: c.2773G>A on transcript NM_000238.4 (MANE Select); coding-DNA position 2773, G replaced by A.
Protein change: p.Gly925Arg; replaces glycine 925 with arginine.
Molecular consequence: missense variant.
Genome position (GRCh38, 1-based): chr7:150,947,798, C>T on the plus strand (G>A on the coding strand, the complement: KCNH2 is on the minus strand). VCF-style: chr7-150947798-C-T. GRCh37 (hg19) VCF-style: chr7-150644886-C-T.
Other names: c.2773G>A (LRG_288t1); c.1753G>A, p.Gly585Arg (NM_172057.3); short protein forms G585R, G925R.
Identifiers: ClinVar variation 67439 (VCV000067439.1), dbSNP rs199473010, ClinGen allele CA007384.

ClinVar aggregate classification (germline): not provided (0 of 4 stars; one submission).

Allele frequency attached by ClinVar (database versions not stated): ExAC below 0.00001.
gnomAD v4.1: 1 of 1,532,638 alleles (0.000065%); highest among the groups gnomAD compares: East Asian, 0.0025%; no homozygotes.

Submission:

Cardiovascular Biomedical Research Unit, Royal Brompton & Harefield NHS Foundation Trust
No classification provided. Review status: no classification provided. Collection method: literature only. Allele origin: germline.
Comment: This variant has been reported in the following publications (PMID:15840476;PMID:19841300).

Literature cited by the submitters: PubMed 15840476; PubMed 19841300; PubMed 22581653.